The following is an entry in ClinVar:

ClinVar aggregate classification (germline): Conflicting classifications of pathogenicity. Review status: criteria provided, conflicting classifications (1 of 4 stars). 4 submissions from 4 submitters: Uncertain significance (3); Likely benign (1). Last evaluated 2025-12-30.

Conditions:
INF2-related disorder. Also called: INF2-related condition.
Inborn genetic diseases. Identifiers: MedGen C0950123, MeSH D030342.
Charcot-Marie-Tooth disease dominant intermediate E. Also called: CHARCOT-MARIE-TOOTH NEUROPATHY WITH FOCAL SEGMENTAL GLOMERULONEPHRITIS. Identifiers: Orphanet 93114, MedGen C4302667, MONDO:0013758, OMIM 614455.
Focal segmental glomerulosclerosis 5 (FSGS5). Identifiers: Orphanet 656, MedGen C2750475, MONDO:0013191, OMIM 613237.

Allele frequency attached by ClinVar (database versions not stated): gnomAD 0.00002; ExAC 0.00003; gnomAD exomes 0.00004 and 0.00006; TOPMed 0.00005.
gnomAD v4.1: 95 of 1,612,376 alleles (0.0059%); highest among the groups gnomAD compares: Non-Finnish European, 0.0076%; no homozygotes.

Submissions (4):

PreventionGenetics, part of Exact Sciences
Classification: Uncertain significance for INF2-related condition. Last evaluated: 2025-12-30. Review status: criteria provided, single submitter. Criteria: ACMG Guidelines, 2015. Collection method: clinical testing. Allele origin: germline.
Comment: The INF2 c.1811G>A variant is predicted to result in the amino acid substitution p.Arg604Gln. To our knowledge, this variant has not been reported in the literature. This variant is reported in 0.0065% of alleles in individuals of African descent in gnomAD. At this time, the clinical significance of this variant is uncertain due to the absence of conclusive functional and genetic evidence.

Labcorp Genetics (formerly Invitae), Labcorp
Classification: Likely benign for Charcot-Marie-Tooth disease dominant intermediate E; Focal segmental glomerulosclerosis 5. Last evaluated: 2025-02-23. Review status: criteria provided, single submitter. Criteria: Invitae Variant Classification Sherloc (09022015). Collection method: clinical testing. Allele origin: germline.

Fulgent Genetics
Classification: Uncertain significance for Focal segmental glomerulosclerosis 5; Charcot-Marie-Tooth disease dominant intermediate E. Last evaluated: 2022-03-21. Review status: criteria provided, single submitter. Criteria: ACMG Guidelines, 2015. Collection method: clinical testing. Allele origin: unknown.

Ambry Genetics
Classification: Uncertain significance for Inborn genetic diseases. Last evaluated: 2019-09-28. Review status: criteria provided, single submitter. Criteria: Ambry Variant Classification Scheme 2023. Collection method: clinical testing. Allele origin: germline.
Comment: The p.R604Q variant (also known as c.1811G>A), located in coding exon 8 of the INF2 gene, results from a G to A substitution at nucleotide position 1811. The arginine at codon 604 is replaced by glutamine, an amino acid with highly similar properties. This amino acid position is poorly conserved in available vertebrate species. In addition, this alteration is predicted to be tolerated by in silico analysis. Since supporting evidence is limited at this time, the clinical significance of this alteration remains unclear.

NM_022489.4(INF2):c.1811G>A (p.Arg604Gln)

Gene: INF2 (inverted formin 2; plus strand). Cytogenetic location: 14q32.33.
Variant type: single nucleotide variant.
Coding change: c.1811G>A on transcript NM_022489.4 (MANE Select); coding-DNA position 1811, G replaced by A.
Protein change: p.Arg604Gln; replaces arginine 604 with glutamine.
Molecular consequence: missense variant.
Genome position (GRCh38, 1-based): chr14:104,708,511, G>A. VCF-style: chr14-104708511-G-A. GRCh37 (hg19) VCF-style: chr14-105174848-G-A.
Other names: c.1811G>A, p.Arg604Gln (NM_001031714.4); short protein forms R604Q.
Identifiers: ClinVar variation 571751 (VCV000571751.14), dbSNP rs752971046, ClinGen allele CA7372681.